The following is an entry in ClinVar:

ClinVar aggregate classification (germline): Uncertain significance. Review status: criteria provided, multiple submitters, no conflicts (2 of 4 stars). 2 submissions from 2 submitters: Uncertain significance (2). Last evaluated 2023-11-27.

Conditions:
Combined immunodeficiency due to STK4 deficiency (IMD110). Also called: STK4 DEFICIENCY; MST1 DEFICIENCY; T-cell immunodeficiency, recurrent infections, and autoimmunity with or without cardiac malformations. Identifiers: Orphanet 314689, MedGen C3553943, MONDO:0013934, OMIM 614868.

Allele frequency attached by ClinVar (database versions not stated): gnomAD exomes below 0.00001; gnomAD 0.00001; TOPMed 0.00002.
gnomAD v4.1: 6 of 1,614,100 alleles (0.00037%); highest among the groups gnomAD compares: Admixed American, 0.0033%; no homozygotes.

Submissions (2):

Labcorp Genetics (formerly Invitae), Labcorp
Classification: Uncertain significance for Combined immunodeficiency due to STK4 deficiency. Last evaluated: 2023-11-27. Review status: criteria provided, single submitter. Criteria: Invitae Variant Classification Sherloc (09022015). Collection method: clinical testing. Allele origin: germline.
Comment: This sequence change replaces aspartic acid, which is acidic and polar, with asparagine, which is neutral and polar, at codon 349 of the STK4 protein (p.Asp349Asn). This variant is not present in population databases (gnomAD no frequency). This variant has not been reported in the literature in individuals affected with STK4-related conditions. ClinVar contains an entry for this variant (Variation ID: 575888). Advanced modeling of protein sequence and biophysical properties (such as structural, functional, and spatial information, amino acid conservation, physicochemical variation, residue mobility, and thermodynamic stability) performed at Invitae indicates that this missense variant is not expected to disrupt STK4 protein function with a negative predictive value of 95%. In summary, the available evidence is currently insufficient to determine the role of this variant in disease. Therefore, it has been classified as a Variant of Uncertain Significance.

Blueprint Genetics
Classification: Uncertain significance. Last evaluated: 2019-01-02. Review status: criteria provided, single submitter. Criteria: ACMG Guidelines, 2015. Collection method: clinical testing. Allele origin: germline.

NM_006282.5(STK4):c.1045G>A (p.Asp349Asn)

Gene: STK4 (serine/threonine kinase 4; plus strand). Cytogenetic location: 20q13.12.
Variant type: single nucleotide variant.
Coding change: c.1045G>A on transcript NM_006282.5 (MANE Select); coding-DNA position 1045, G replaced by A.
Protein change: p.Asp349Asn; replaces aspartic acid 349 with asparagine.
Molecular consequence: missense variant.
Genome position (GRCh38, 1-based): chr20:45,001,251, G>A. VCF-style: chr20-45001251-G-A. GRCh37 (hg19) VCF-style: chr20-43629892-G-A.
Other names: c.1045G>A, p.Asp349Asn (NM_001352385.2); short protein forms D349N.
Identifiers: ClinVar variation 575888 (VCV000575888.7), dbSNP rs930004106, ClinGen allele CA315491311.
Genomic context (GRCh38, chr20:45,001,251, plus strand): 5'-ACGATGGTTCGAGCAGTGGGTGATGAGATGGGCACTGTCCGAGTAGCCAGCACCATGACT[G>A]ATGGAGCCAATACTATGATTGAGCACGATGACACGTTGCCATCACAACTGGGCACCATGG-3'
Protein context (NP_006273.1, residues 339-359): GTVRVASTMT[Asp349Asn]GANTMIEHDD